The following is an entry in ClinVar:

ClinVar aggregate classification (germline): Benign/Likely benign. Review status: criteria provided, multiple submitters, no conflicts (2 of 4 stars). 3 submissions from 3 submitters: Benign (1); Likely benign (2). Last evaluated 2025-09-23.

Conditions:
Prostate cancer, hereditary, 9 (HPC9). Identifiers: Orphanet 1331, MedGen C1970250, MONDO:0012597, OMIM 610997.
Hereditary cancer-predisposing syndrome. Also called: Hereditary Cancer Syndrome; Neoplastic Syndromes, Hereditary; Tumor predisposition; Hereditary neoplastic syndrome. Identifiers: Orphanet 140162, MedGen C0027672, MeSH D009386, MONDO:0015356.

Submissions (3):

Labcorp Genetics (formerly Invitae), Labcorp
Classification: Likely benign. Last evaluated: 2025-09-23. Review status: criteria provided, single submitter. Criteria: Invitae Variant Classification Sherloc (09022015). Collection method: clinical testing. Allele origin: germline.

Myriad Genetics, Inc.
Classification: Benign for Prostate cancer, hereditary, 9. Last evaluated: 2024-10-29. Review status: criteria provided, single submitter. Criteria: Myriad Autosomal Dominant, Autosomal Recessive and X-Linked Classification Criteria (2023). Collection method: clinical testing. Allele origin: unknown.
Comment: This variant is considered benign. This variant is a silent/synonymous amino acid change and it is not expected to impact splicing.

Ambry Genetics
Classification: Likely benign for Hereditary cancer-predisposing syndrome. Last evaluated: 2024-02-10. Review status: criteria provided, single submitter. Criteria: Ambry Variant Classification Scheme 2023. Collection method: clinical testing. Allele origin: germline.

NM_006361.6(HOXB13):c.150C>T (p.Pro50=)

Gene: HOXB13 (homeobox B13; minus strand). Cytogenetic location: 17q21.32.
Variant type: single nucleotide variant.
Coding change: c.150C>T on transcript NM_006361.6 (MANE Select); coding-DNA position 150, C replaced by T.
Protein change: p.Pro50=; no amino-acid change (proline 50 retained).
Molecular consequence: synonymous variant.
Genome position (GRCh38, 1-based): chr17:48,728,444, G>A on the plus strand (C>T on the coding strand, the complement: HOXB13 is on the minus strand). VCF-style: chr17-48728444-G-A. GRCh37 (hg19) VCF-style: chr17-46805806-G-A.
Other names: c.150C>T (NM_006361.5).
Identifiers: ClinVar variation 1085690 (VCV001085690.11), dbSNP rs1321649246, ClinGen allele CA500502701.
Genomic context (GRCh38, chr17:48,728,444, plus strand): 5'-GGGCACCCCAGGGCATGGGTGGCATTGCTTTGGCGGCTCCGCCGAGCCTGGCAGATCCAA[G>A]GGGGCATAGTTGACAGCAGGCATCAGCGTAGGCGCCGCTGGGTGGCTGGTCAGAGGGGAG-3'
Protein context (NP_006352.2, residues 40-60): PTLMPAVNYA[Pro50=]LDLPGSAEPP